The following is an entry in ClinVar:

NM_002691.4(POLD1):c.839A>T (p.Lys280Met)

Gene: POLD1 (DNA polymerase delta 1, catalytic subunit; plus strand). Cytogenetic location: 19q13.33.
Variant type: single nucleotide variant.
Coding change: c.839A>T on transcript NM_002691.4 (MANE Select); coding-DNA position 839, A replaced by T.
Protein change: p.Lys280Met; replaces lysine 280 with methionine.
Molecular consequence: missense variant. On other transcripts: non-coding transcript variant (1).
Genome position (GRCh38, 1-based): chr19:50,402,534, A>T. VCF-style: chr19-50402534-A-T. GRCh37 (hg19) VCF-style: chr19-50905791-A-T.
Other names: c.839A>T, p.Lys280Met (NM_001256849.1, NM_001308632.1, NM_001438210.1 and 3 more transcripts); short protein forms K280M.
Identifiers: ClinVar variation 4843030 (VCV004843030.1).

ClinVar aggregate classification (germline): Uncertain significance (1 of 4 stars; one submission).

Conditions:
Hereditary cancer-predisposing syndrome. Also called: Neoplastic Syndromes, Hereditary; Tumor predisposition; Hereditary Cancer Syndrome; Hereditary neoplastic syndrome. Identifiers: Orphanet 140162, MedGen C0027672, MeSH D009386, MONDO:0015356.

Submission:

Ambry Genetics
Classification: Uncertain significance for Hereditary cancer-predisposing syndrome. Last evaluated: 2026-01-06. Review status: criteria provided, single submitter. Criteria: Ambry Variant Classification Scheme 2023. Collection method: clinical testing. Allele origin: germline.
Comment: The p.K280M variant (also known as c.839A>T), located in coding exon 6 of the POLD1 gene, results from an A to T substitution at nucleotide position 839. The lysine at codon 280 is replaced by methionine, an amino acid with similar properties. This amino acid position is not well conserved in available vertebrate species. In addition, this alteration is predicted to be tolerated by in silico analysis. Based on the available evidence, the clinical significance of this variant remains unclear.